The following is an entry in ClinVar:

NM_022552.5(DNMT3A):c.2174-10G>A

Gene: DNMT3A (DNA methyltransferase 3 alpha; minus strand). Cytogenetic location: 2p23.3.
Variant type: single nucleotide variant.
Coding change: c.2174-10G>A on transcript NM_022552.5 (MANE Select); 10 bases into the intron before coding-DNA position 2174, G replaced by A.
Molecular consequence: intron variant.
Genome position (GRCh38, 1-based): chr2:25,240,460, C>T on the plus strand (G>A on the coding strand, the complement: DNMT3A is on the minus strand). VCF-style: chr2-25240460-C-T. GRCh37 (hg19) VCF-style: chr2-25463329-C-T.
Other names: c.2174-10G>A (NM_175629.2); c.1607-10G>A (NM_153759.3); c.1718-10G>A (NM_001320893.1); c.1505-10G>A (NM_001375819.1).
Identifiers: ClinVar variation 2742002 (VCV002742002.4), dbSNP rs748386077, ClinGen allele CA1555722.
Genomic context (GRCh38, chr2:25,240,460, plus strand): 5'-GCGCATCATGCAGGAGGCGGTAGAACTCAAAGAAGAGCCGGCCAGTGCCCTCTGAGAGGT[C>T]GGAAGAGAAAGCCATCAGCTGGGGCTGTCTGCATAGGACAGTGGTGTGGCTCGGGCACGG-3'

ClinVar aggregate classification (germline): Likely benign. Review status: criteria provided, single submitter (1 of 4 stars). 2 submissions from 2 submitters: Likely benign (1). 1 of the submissions does not count toward it. Last evaluated 2023-12-10.

Conditions:
Tatton-Brown-Rahman overgrowth syndrome. Also called: Tatton-Brown-Rahman syndrome; Tall stature-intellectual disability-facial dysmorphism syndrome. Identifiers: Orphanet 404443, MedGen C4014545, MONDO:0014382, OMIM 615879.
DNMT3A-related disorder. Also called: DNMT3A-related disorders; DNMT3A-related condition.

Allele frequency attached by ClinVar (database versions not stated): ExAC 0.00001; gnomAD exomes 0.00001; TOPMed 0.00002.

Submissions (2):

Labcorp Genetics (formerly Invitae), Labcorp
Classification: Likely benign for Tatton-Brown-Rahman overgrowth syndrome. Last evaluated: 2023-12-10. Review status: criteria provided, single submitter. Criteria: Invitae Variant Classification Sherloc (09022015). Collection method: clinical testing. Allele origin: germline.

PreventionGenetics, part of Exact Sciences
Classification: Likely benign for DNMT3A-related condition. Last evaluated: 2022-02-09. Review status: no assertion criteria provided. Collection method: clinical testing. Allele origin: germline. Not counted in ClinVar's aggregate classification.
Comment: This variant is classified as likely benign based on ACMG/AMP sequence variant interpretation guidelines (Richards et al. 2015 PMID: 25741868, with internal and published modifications).